The following is an entry in ClinVar:

ClinVar aggregate classification (germline): Conflicting classifications of pathogenicity. Review status: criteria provided, conflicting classifications (1 of 4 stars). 2 submissions from 2 submitters: Pathogenic (1); Uncertain significance (1). Last evaluated 2024-08-26.

Conditions:
Developmental delay with or without epilepsy (DEVEP). Identifiers: MedGen C5882702, MONDO:0957815, OMIM 620540.

Submissions (2):

Institute of Human Genetics, University of Leipzig Medical Center
Classification: Pathogenic for Developmental delay with or without epilepsy. Last evaluated: 2024-08-26. Review status: criteria provided, single submitter. Criteria: ACMG Guidelines, 2015. Collection method: clinical testing. Allele origin: unknown. Affected: yes.
Comment: Criteria applied: PVS1,PM2

Blueprint Genetics
Classification: Uncertain significance. Last evaluated: 2023-09-25. Review status: criteria provided, single submitter. Criteria: ACMG Guidelines, 2015. Collection method: clinical testing. Allele origin: germline.

NM_001130438.3(SPTAN1):c.1033C>T (p.Gln345Ter)

Gene: SPTAN1 (spectrin alpha, non-erythrocytic 1; plus strand). Cytogenetic location: 9q34.11.
Variant type: single nucleotide variant.
Coding change: c.1033C>T on transcript NM_001130438.3 (MANE Select); coding-DNA position 1033, C replaced by T.
Protein change: p.Gln345Ter; replaces glutamine 345 with a stop codon.
Molecular consequence: nonsense.
Genome position (GRCh38, 1-based): chr9:128,577,454, C>T. VCF-style: chr9-128577454-C-T. GRCh37 (hg19) VCF-style: chr9-131339733-C-T.
Other names: c.1033C>T, p.Gln345Ter (NM_001195532.2, NM_001363759.2, NM_001363765.2 and 5 more transcripts); c.1069C>T, p.Gln357Ter (NM_001375312.2, NM_001375318.1); short protein forms Q345*, Q357*.
Identifiers: ClinVar variation 3359083 (VCV003359083.3).